The following is an entry in ClinVar:

NM_001384474.1(LOXHD1):c.1391A>G (p.Asn464Ser)

Gene: LOXHD1 (lipoxygenase homology PLAT domains 1; minus strand). Cytogenetic location: 18q21.1.
Variant type: single nucleotide variant.
Coding change: c.1391A>G on transcript NM_001384474.1 (MANE Select); coding-DNA position 1391, A replaced by G.
Protein change: p.Asn464Ser; replaces asparagine 464 with serine.
Molecular consequence: missense variant.
Genome position (GRCh38, 1-based): chr18:46,593,640, T>C on the plus strand (A>G on the coding strand, the complement: LOXHD1 is on the minus strand). VCF-style: chr18-46593640-T-C. GRCh37 (hg19) VCF-style: chr18-44173603-T-C.
Other names: c.1391A>G, p.Asn464Ser (NM_144612.7); short protein forms N464S.
Identifiers: ClinVar variation 2131228 (VCV002131228.4), dbSNP rs2511931167, ClinGen allele CA402380650.

ClinVar aggregate classification (germline): Uncertain significance (1 of 4 stars; one submission).

Submission:

Labcorp Genetics (formerly Invitae), Labcorp
Classification: Uncertain significance. Last evaluated: 2025-10-01. Review status: criteria provided, single submitter. Criteria: Invitae Variant Classification Sherloc (09022015). Collection method: clinical testing. Allele origin: germline.
Comment: This sequence change replaces asparagine, which is neutral and polar, with serine, which is neutral and polar, at codon 464 of the LOXHD1 protein (p.Asn464Ser). This variant is not present in population databases (gnomAD no frequency). This variant has not been reported in the literature in individuals affected with LOXHD1-related conditions. ClinVar contains an entry for this variant (Variation ID: 2131228). An algorithm developed to predict the effect of missense changes on protein structure and function (PolyPhen-2) suggests that this variant is likely to be tolerated. In summary, the available evidence is currently insufficient to determine the role of this variant in disease. Therefore, it has been classified as a Variant of Uncertain Significance.